The following is an entry in ClinVar:

NM_022124.6(CDH23):c.1061G>A (p.Ser354Asn)

Gene: CDH23 (cadherin related 23; plus strand). Cytogenetic location: 10q22.1.
Variant type: single nucleotide variant.
Coding change: c.1061G>A on transcript NM_022124.6 (MANE Select); coding-DNA position 1061, G replaced by A.
Protein change: p.Ser354Asn; replaces serine 354 with asparagine.
Molecular consequence: missense variant.
Genome position (GRCh38, 1-based): chr10:71,617,320, G>A. VCF-style: chr10-71617320-G-A. GRCh37 (hg19) VCF-style: chr10-73377077-G-A.
Other names: c.1061G>A, p.Ser354Asn (NM_001171930.2, NM_001171931.2, NM_001171932.2 and 1 more transcripts); short protein forms S354N.
Identifiers: ClinVar variation 45859 (VCV000045859.14), dbSNP rs200792189, ClinGen allele CA137251.

ClinVar aggregate classification (germline): Uncertain significance. Review status: criteria provided, multiple submitters, no conflicts (2 of 4 stars). 8 submissions from 7 submitters: Uncertain significance (7). 1 of the submissions does not count toward it. Last evaluated 2025-07-15.

Conditions:
Inborn genetic diseases. Identifiers: MedGen C0950123, MeSH D030342.
Usher syndrome type 1 (USH1). Also called: RETINITIS PIGMENTOSA AND CONGENITAL DEAFNESS. Identifiers: Orphanet 231169, Orphanet 886, MedGen C1568247, MONDO:0010168, OMIM 276900.
Autosomal recessive nonsyndromic hearing loss 12. Also called: DEAFNESS, AUTOSOMAL RECESSIVE 12. Identifiers: Orphanet 90636, MedGen C1832394, MONDO:0011067, OMIM 601386.
Usher syndrome type 1D (USH1D). Also called: USHER SYNDROME, TYPE ID. Identifiers: Orphanet 231169, Orphanet 886, MedGen C1832845, MONDO:0010984, OMIM 601067.

Allele frequency attached by ClinVar (database versions not stated): ExAC 0.00006; gnomAD 0.00006; gnomAD exomes 0.00006 and 0.00012; ESP Exome Variant Server 0.00008; TOPMed 0.00008.
gnomAD v4.1: 189 of 1,613,838 alleles (0.012%); highest among the groups gnomAD compares: Non-Finnish European, 0.015%; no homozygotes.

Submissions (8):

Ambry Genetics
Classification: Uncertain significance for Inborn genetic diseases. Last evaluated: 2025-07-15. Review status: criteria provided, single submitter. Criteria: Ambry Variant Classification Scheme 2023. Collection method: clinical testing. Allele origin: germline.

Labcorp Genetics (formerly Invitae), Labcorp
Classification: Uncertain significance. Last evaluated: 2022-07-26. Review status: criteria provided, single submitter. Criteria: Invitae Variant Classification Sherloc (09022015). Collection method: clinical testing. Allele origin: germline.
Comment: This sequence change replaces serine, which is neutral and polar, with asparagine, which is neutral and polar, at codon 354 of the CDH23 protein (p.Ser354Asn). The frequency data for this variant in the population databases is considered unreliable, as metrics indicate poor data quality at this position in the gnomAD database. This missense change has been observed in individual(s) with clinical features of Usher syndrome (Invitae). ClinVar contains an entry for this variant (Variation ID: 45859). Algorithms developed to predict the effect of missense changes on protein structure and function are either unavailable or do not agree on the potential impact of this missense change (SIFT: "Deleterious"; PolyPhen-2: "Not Available"; Align-GVGD: "Class C45"). In summary, the available evidence is currently insufficient to determine the role of this variant in disease. Therefore, it has been classified as a Variant of Uncertain Significance.

Blueprint Genetics
Classification: Uncertain significance. Last evaluated: 2022-06-20. Review status: criteria provided, single submitter. Criteria: ACMG Guidelines, 2015. Collection method: clinical testing. Allele origin: germline.

Mayo Clinic Laboratories, Mayo Clinic
Classification: Uncertain significance. Last evaluated: 2022-03-15. Review status: criteria provided, single submitter. Criteria: ACMG Guidelines, 2015. Collection method: clinical testing. Allele origin: germline. Observed: 1 variant allele.
Comment: BP4, PM2

Illumina Laboratory Services, Illumina
Classification: Uncertain significance for Usher syndrome type 1D. Last evaluated: 2018-01-13. Review status: criteria provided, single submitter. Criteria: ICSL Variant Classification Criteria 13 December 2019. Collection method: clinical testing. Allele origin: germline.

Illumina Laboratory Services, Illumina
Classification: Uncertain significance for Autosomal recessive nonsyndromic hearing loss 12. Last evaluated: 2018-01-13. Review status: criteria provided, single submitter. Criteria: ICSL Variant Classification Criteria 13 December 2019. Collection method: clinical testing. Allele origin: germline.

Laboratory for Molecular Medicine, Mass General Brigham Personalized Medicine
Classification: Uncertain significance. Last evaluated: 2014-08-11. Review status: criteria provided, single submitter. Criteria: LMM Criteria. Collection method: clinical testing. Allele origin: germline. Observed: 1 variant allele.
Comment: The Ser354Asn variant in CDH23 gene has not been previously reported in individu als with hearing loss, but has been identified in 1/8578 European American chrom osomes by the NHLBI Exome Sequencing Project (dbSNP rs200792189). Computational prediction tools and conservation analyses do not provide strong support for or against an impact to the protein. In summary, the clinical significance of the Ser354Asn variant is uncertain.

Natera, Inc.
Classification: Uncertain significance for Usher syndrome type 1. Last evaluated: 2020-04-11. Review status: no assertion criteria provided. Collection method: clinical testing. Allele origin: germline. Not counted in ClinVar's aggregate classification.